The following is an entry in ClinVar:

ClinVar aggregate classification (germline): Uncertain significance (1 of 4 stars; one submission).

Submission:

CeGaT Center for Human Genetics Tuebingen
Classification: Uncertain significance. Last evaluated: 2025-12-01. Review status: criteria provided, single submitter. Criteria: CeGaT Center For Human Genetics Tuebingen Variant Classification Criteria Version 2. Collection method: clinical testing. Allele origin: germline. Affected: yes. Observed: 1 variant allele.
Comment: ARHGEF28: PM2, PM4

NM_001177693.2(ARHGEF28):c.1243_1251del (p.Lys415_Thr417del)

Gene: ARHGEF28 (Rho guanine nucleotide exchange factor 28; plus strand). Cytogenetic location: 5q13.2.
Variant type: Deletion.
Coding change: c.1243_1251del on transcript NM_001177693.2 (MANE Select); coding-DNA positions 1243 to 1251, 9 bases deleted (AAACACACC; older notation c.1243_1251delAAACACACC).
Protein change: p.Lys415_Thr417del.
Genome position (GRCh38, 1-based): chr5:73,840,576-73,840,584, AAACACACC deleted; deleting any 9 consecutive bases within chr5:73,840,575-73,840,584 gives the same sequence; the c. name uses the placement nearest the transcript's 3' end. VCF-style (leftmost placement, unchanged base first): chr5-73840574-GCAAACACAC-G. GRCh37 (hg19) VCF-style: chr5-73136399-GCAAACACAC-G.
Other names: c.1243_1251del, p.Lys415_Thr417del (NM_001080479.3, NM_001388078.1); c.304_312del, p.Lys102_Thr104del (NM_001244364.2); c.949_957del, p.Lys317_Thr319del (NM_001388076.1).
Identifiers: ClinVar variation 4681506 (VCV004681506.5).